The following is an entry in ClinVar:

ClinVar aggregate classification (germline): Uncertain significance. Review status: criteria provided, multiple submitters, no conflicts (2 of 4 stars). 2 submissions from 2 submitters: Uncertain significance (2). Last evaluated 2024-04-27.

Conditions:
Cardiovascular phenotype. Identifiers: MedGen CN230736.
DK1-congenital disorder of glycosylation. Also called: DK1-CDG; CONGENITAL DISORDER OF GLYCOSYLATION, TYPE Im; CDG Im; DK1 DEFICIENCY; DOLICHOL KINASE DEFICIENCY; DOLK-congenital disorder of glycosylation. Identifiers: Orphanet 91131, MedGen C1835849, MONDO:0012556, OMIM 610768.

Allele frequency attached by ClinVar (database versions not stated): TOPMed below 0.00001; gnomAD 0.00001; gnomAD exomes 0.00001.
gnomAD v4.1: 16 of 1,613,174 alleles (0.00099%); highest among the groups gnomAD compares: Non-Finnish European, 0.0013%; no homozygotes.

Submissions (2):

Ambry Genetics
Classification: Uncertain significance for Cardiovascular phenotype. Last evaluated: 2024-04-27. Review status: criteria provided, single submitter. Criteria: Ambry Variant Classification Scheme 2023. Collection method: clinical testing. Allele origin: germline.
Comment: The p.P89L variant (also known as c.266C>T), located in coding exon 1 of the DOLK gene, results from a C to T substitution at nucleotide position 266. The proline at codon 89 is replaced by leucine, an amino acid with similar properties. This amino acid position is conserved. In addition, this alteration is predicted to be deleterious by in silico analysis. Based on the available evidence, the clinical significance of this variant remains unclear.

Labcorp Genetics (formerly Invitae), Labcorp
Classification: Uncertain significance for DK1-congenital disorder of glycosylation. Last evaluated: 2022-02-11. Review status: criteria provided, single submitter. Criteria: Invitae Variant Classification Sherloc (09022015). Collection method: clinical testing. Allele origin: germline.
Comment: This sequence change replaces proline, which is neutral and non-polar, with leucine, which is neutral and non-polar, at codon 89 of the DOLK protein (p.Pro89Leu). This variant is not present in population databases (gnomAD no frequency). This variant has not been reported in the literature in individuals affected with DOLK-related conditions. ClinVar contains an entry for this variant (Variation ID: 965319). Algorithms developed to predict the effect of missense changes on protein structure and function are either unavailable or do not agree on the potential impact of this missense change (SIFT: "Tolerated"; PolyPhen-2: "Probably Damaging"; Align-GVGD: "Class C0"). In summary, the available evidence is currently insufficient to determine the role of this variant in disease. Therefore, it has been classified as a Variant of Uncertain Significance.

NM_014908.4(DOLK):c.266C>T (p.Pro89Leu)

Gene: DOLK (dolichol kinase; minus strand). Cytogenetic location: 9q34.11.
Variant type: single nucleotide variant.
Coding change: c.266C>T on transcript NM_014908.4 (MANE Select); coding-DNA position 266, C replaced by T.
Protein change: p.Pro89Leu; replaces proline 89 with leucine.
Molecular consequence: missense variant.
Genome position (GRCh38, 1-based): chr9:128,947,038, G>A on the plus strand (C>T on the coding strand, the complement: DOLK is on the minus strand). VCF-style: chr9-128947038-G-A. GRCh37 (hg19) VCF-style: chr9-131709317-G-A.
Other names: short protein forms P89L.
Identifiers: ClinVar variation 965319 (VCV000965319.7), dbSNP rs1310123344, ClinGen allele CA375127163.